The following is an entry in ClinVar:

NM_001042492.3(NF1):c.5523A>T (p.Gln1841His)

Gene: NF1 (neurofibromin 1; plus strand). Cytogenetic location: 17q11.2.
Variant type: single nucleotide variant.
Coding change: c.5523A>T on transcript NM_001042492.3 (MANE Select); coding-DNA position 5523, A replaced by T.
Protein change: p.Gln1841His; replaces glutamine 1841 with histidine.
Molecular consequence: missense variant.
Genome position (GRCh38, 1-based): chr17:31,327,753, A>T. VCF-style: chr17-31327753-A-T. GRCh37 (hg19) VCF-style: chr17-29654771-A-T.
Other names: c.5460A>T, p.Gln1820His (NM_000267.4); short protein forms Q1820H, Q1841H.
Identifiers: ClinVar variation 141635 (VCV000141635.7), dbSNP rs151046636, ClinGen allele CA165990.

ClinVar aggregate classification (germline): Uncertain significance. Review status: criteria provided, multiple submitters, no conflicts (2 of 4 stars). 3 submissions from 3 submitters: Uncertain significance (3). Last evaluated 2023-01-09.

Conditions:
Hereditary cancer-predisposing syndrome. Also called: Neoplastic Syndromes, Hereditary; Hereditary Cancer Syndrome; Hereditary neoplastic syndrome; Tumor predisposition. Identifiers: Orphanet 140162, MedGen C0027672, MeSH D009386, MONDO:0015356.
Neurofibromatosis, type 1 (NF1). Also called: VON RECKLINGHAUSEN DISEASE; Neurofibromatosis, type I; NEUROFIBROMATOSIS, TYPE I, SOMATIC; Peripheral type neurofibromatosis. Identifiers: Orphanet 636, MedGen C0027831, MONDO:0018975, OMIM 162200. Disease mechanism: loss of function.

Submissions (3):

Labcorp Genetics (formerly Invitae), Labcorp
Classification: Uncertain significance for Neurofibromatosis, type 1. Last evaluated: 2023-01-09. Review status: criteria provided, single submitter. Criteria: Invitae Variant Classification Sherloc (09022015). Collection method: clinical testing. Allele origin: germline.
Comment: This sequence change replaces glutamine, which is neutral and polar, with histidine, which is basic and polar, at codon 1820 of the NF1 protein (p.Gln1820His). This variant is not present in population databases (gnomAD no frequency). This variant has not been reported in the literature in individuals affected with NF1-related conditions. ClinVar contains an entry for this variant (Variation ID: 141635). Advanced modeling of protein sequence and biophysical properties (such as structural, functional, and spatial information, amino acid conservation, physicochemical variation, residue mobility, and thermodynamic stability) has been performed at Invitae for this missense variant, however the output from this modeling did not meet the statistical confidence thresholds required to predict the impact of this variant on NF1 protein function. In summary, the available evidence is currently insufficient to determine the role of this variant in disease. Therefore, it has been classified as a Variant of Uncertain Significance.

GeneDx
Classification: Uncertain significance. Last evaluated: 2017-05-12. Review status: criteria provided, single submitter. Criteria: GeneDx Variant Classification (06012015). Collection method: clinical testing. Allele origin: germline. Affected: yes.
Comment: The Q1820H variant has not been published as a pathogenic variant, nor has it been reported as a benign variant to our knowledge. The variant is not observed in large population cohorts (Lek et al., 2016; 1000 Genomes Consortium et al., 2015; Exome Variant Server). Q1820H is a semi-conservative amino acid substitution, which may impact secondary protein structure as these residues differ in some properties. This substitution occurs at a position that is conserved across species. In silico analysis is inconsistent in its predictions as to whether or not the variant is damaging to the protein structure/function. In summary, based on the currently available information, it is unclear whether this variant is a pathogenic variant or a rare benign variant.

Ambry Genetics
Classification: Uncertain significance for Hereditary cancer-predisposing syndrome. Last evaluated: 2014-04-07. Review status: criteria provided, single submitter. Criteria: Ambry Autosomal Dominant and X-Linked criteria (10/2015). Collection method: clinical testing. Allele origin: germline. Observed: 1 variant allele.
Comment: The p.Q1841H variant (also known as c.5523A>T), located in coding exon 38 of the NF1 gene, results from an A to T substitution at nucleotide position 5523. The glutamine at codon 1841 is replaced by histidine, an amino acid with highly similar properties. This variant was not reported in population based cohorts in the following databases: Database of Single Nucleotide Polymorphisms (dbSNP), NHLBI Exome Sequencing Project (ESP), and 1000 Genomes Project.To date, this alteration has been detected with an allele frequency of approximately 0.02% (greater than 5000 alleles tested) in our clinical cohort (includes this individual). Based on protein sequence alignment, this amino acid position is highly conserved in available vertebrate species. In addition, this alteration is predicted to be possibly damaging, but tolerated by PolyPhen and SIFT in silico analyses, respectively.Since supporting evidence is limited at this time, the clinical significance of this variant remains unclear.